The following is an entry in ClinVar:

ClinVar aggregate classification (germline): Conflicting classifications of pathogenicity. Review status: criteria provided, conflicting classifications (1 of 4 stars). 2 submissions from 2 submitters: Uncertain significance (1); Likely benign (1). Last evaluated 2026-02-01.

Conditions:
Macrocephaly, dysmorphic facies, and psychomotor retardation (MDFPMR). Identifiers: Orphanet 457359, MedGen C4310766, MONDO:0014863, OMIM 617011.

Submissions (2):

Dasa
Classification: Uncertain significance for Macrocephaly, dysmorphic facies, and psychomotor retardation. Last evaluated: 2026-02-01. Review status: criteria provided, single submitter. Criteria: DASA Assertion Criteria. Collection method: clinical testing. Allele origin: germline.
Comment: NM_003922.4(HERC1):c.13612-8T>A is a splice-region variant. This variant is absent from population databases. Computational prediction algorithms are consistent with a benign effect. The currently available literature and clinical evidence are not sufficient to establish a definitive association between this variant and the reported condition. Therefore, this variant is classified as a variant of uncertain significance.

Labcorp Genetics (formerly Invitae), Labcorp
Classification: Likely benign. Last evaluated: 2025-08-12. Review status: criteria provided, single submitter. Criteria: Invitae Variant Classification Sherloc (09022015). Collection method: clinical testing. Allele origin: germline.

NM_003922.4(HERC1):c.13612-8T>A

Gene: HERC1 (HECT and RLD domain containing E3 ubiquitin protein ligase family member 1; minus strand). Cytogenetic location: 15q22.31.
Variant type: single nucleotide variant.
Coding change: c.13612-8T>A on transcript NM_003922.4 (MANE Select); 8 bases into the intron before coding-DNA position 13612, T replaced by A.
Molecular consequence: intron variant.
Genome position (GRCh38, 1-based): chr15:63,622,899, A>T on the plus strand (T>A on the coding strand, the complement: HERC1 is on the minus strand). VCF-style: chr15-63622899-A-T. GRCh37 (hg19) VCF-style: chr15-63915098-A-T.
Identifiers: ClinVar variation 4767476 (VCV004767476.3).